The following is an entry in ClinVar:

NM_001130987.2(DYSF):c.5737C>G (p.Pro1913Ala)

Gene: DYSF (dysferlin; plus strand). Cytogenetic location: 2p13.2.
Variant type: single nucleotide variant.
Coding change: c.5737C>G on transcript NM_001130987.2 (MANE Select); coding-DNA position 5737, C replaced by G.
Protein change: p.Pro1913Ala; replaces proline 1913 with alanine.
Molecular consequence: missense variant.
Genome position (GRCh38, 1-based): chr2:71,669,699, C>G. VCF-style: chr2-71669699-C-G. GRCh37 (hg19) VCF-style: chr2-71896829-C-G.
Other names: c.5620C>G (NM_003494.3); c.5623C>G, p.Pro1875Ala (NM_001130455.2); c.5578C>G, p.Pro1860Ala (NM_001130976.2); c.5641C>G, p.Pro1881Ala (NM_001130977.2); c.5683C>G, p.Pro1895Ala (NM_001130978.2); c.5713C>G, p.Pro1905Ala (NM_001130979.2); c.5671C>G, p.Pro1891Ala (NM_001130980.2); c.5734C>G, p.Pro1912Ala (NM_001130981.2); and 6 more; short protein forms P1860A, P1874A, P1891A, P1913A, P1881A, P1896A, P1906A, P1912A.
Identifiers: ClinVar variation 1462438 (VCV001462438.8), dbSNP rs1257277890, ClinGen allele CA347223940.

ClinVar aggregate classification (germline): Uncertain significance. Review status: criteria provided, multiple submitters, no conflicts (2 of 4 stars). 3 submissions from 3 submitters: Uncertain significance (3). Last evaluated 2025-11-03.

Conditions:
Neuromuscular disease caused by qualitative or quantitative defects of dysferlin. Also called: Dysferlinopathy; Qualitative or quantitative defects of dysferlin. Identifiers: Orphanet 207073, MedGen C2931687, MONDO:0016145.
Inborn genetic diseases. Identifiers: MedGen C0950123, MeSH D030342.

Allele frequency attached by ClinVar (database versions not stated): gnomAD exomes below 0.00001.
gnomAD v4.1: 2 of 1,614,130 alleles (0.00012%); highest among the groups gnomAD compares: Non-Finnish European, 0.00017%; no homozygotes.

Submissions (3):

Ambry Genetics
Classification: Uncertain significance for Inborn genetic diseases. Last evaluated: 2025-11-03. Review status: criteria provided, single submitter. Criteria: Ambry Variant Classification Scheme 2023. Collection method: clinical testing. Allele origin: germline.

Revvity Omics, Revvity
Classification: Uncertain significance. Last evaluated: 2023-07-19. Review status: criteria provided, single submitter. Criteria: ACMG Guidelines, 2015. Collection method: clinical testing. Allele origin: germline.

Labcorp Genetics (formerly Invitae), Labcorp
Classification: Uncertain significance for Neuromuscular disease caused by qualitative or quantitative defects of dysferlin. Last evaluated: 2022-06-27. Review status: criteria provided, single submitter. Criteria: Invitae Variant Classification Sherloc (09022015). Collection method: clinical testing. Allele origin: germline.
Comment: This sequence change replaces proline, which is neutral and non-polar, with alanine, which is neutral and non-polar, at codon 1874 of the DYSF protein (p.Pro1874Ala). This variant is present in population databases (no rsID available, gnomAD 0.0009%). This variant has not been reported in the literature in individuals affected with DYSF-related conditions. Algorithms developed to predict the effect of missense changes on protein structure and function are either unavailable or do not agree on the potential impact of this missense change (SIFT: "Tolerated"; PolyPhen-2: "Probably Damaging"; Align-GVGD: "Class C0"). In summary, the available evidence is currently insufficient to determine the role of this variant in disease. Therefore, it has been classified as a Variant of Uncertain Significance.